The following is an entry in ClinVar:

ClinVar aggregate classification (germline): VUS-high (1 of 4 stars; one submission).

Conditions:
Cockayne syndrome type 1. Also called: Cockayne syndrome type I; Cockayne syndrome classical; Cockayne syndrome classic form. Identifiers: Orphanet 191, Orphanet 90321, MedGen C0751039, MONDO:0019569, OMIM 216400.

Submission:

Laboratory of Cytogenetics, Molecular Genetics and Reproductive Biology, Farhat Hached University Hospital
Classification: VUS-high for Cockayne syndrome type 1. Last evaluated: 2025-12-12. Review status: criteria provided, single submitter. Criteria: ACMG Guidelines, 2015. Collection method: clinical testing. Allele origin: germline. Inheritance: Autosomal recessive inheritance. Affected: yes.
Comment: The NM_000082.4.598T>A variant in ERCC8 was identified in a homozygous state in a patient presenting with corpus callosum malformation and neurodevelopmental abnormalities (PMID: 16648759). Pathogenic variants in ERCC8 are associated with Cockayne syndrome, an autosomal recessive neurodevelopmental disorder characterized by growth failure, neurological impairment, microcephaly, and developmental delay. This sequence variant results in a nucleotide substitution in the coding region of the ERCC8 gene. The variant was evaluated using ACMG/AMP variant interpretation guidelines (PMID:25741868). Available evidence, including phenotype correlation, review of currently available literature, and database assessment, supports a possible contribution of this variant to the observed phenotype. However, additional functional and segregation studies may be required to clarify its clinical significance. Therefore, the variant was classified as a Variant of Uncertain Significance (VUS).

Literature cited by the submitters: PubMed 16648759.

NM_000082.4(ERCC8):c.598T>A (p.Tyr200Asn)

Gene: ERCC8 (ERCC excision repair 8, CSA ubiquitin ligase complex subunit; minus strand). Cytogenetic location: 5q12.1.
Variant type: single nucleotide variant.
Coding change: c.598T>A on transcript NM_000082.4 (MANE Select); coding-DNA position 598, T replaced by A.
Protein change: p.Tyr200Asn; replaces tyrosine 200 with asparagine.
Molecular consequence: missense variant.
Genome position (GRCh38, 1-based): chr5:60,902,461, A>T on the plus strand (T>A on the coding strand, the complement: ERCC8 is on the minus strand). VCF-style: chr5-60902461-A-T. GRCh37 (hg19) VCF-style: chr5-60198288-A-T.
Other names: c.424T>A, p.Tyr142Asn (NM_001007233.3); c.139T>A, p.Tyr47Asn (NM_001290285.2); short protein forms Y142N, Y200N, Y47N.
Identifiers: ClinVar variation 4850956 (VCV004850956.1).
Genomic context (GRCh38, chr5:60,902,461, plus strand): 5'-TATTAATTACTAACTTCAAAAGCAAATAAGTTAAATTTTACCTTGCTGTTGCCAAGATAT[A>T]GTCATAACGTGGAGACCAGGAAACTGCTAATATTTCTTGTCTGTGACCTGCAAATACAAC-3'
Protein context (NP_000073.1, residues 190-210): LAVSWSPRYD[Tyr200Asn]ILATASADSR